The following is an entry in ClinVar:

ClinVar aggregate classification (germline): Uncertain significance (1 of 4 stars; one submission).

Conditions:
Dilated cardiomyopathy 1HH (CMD1HH). Identifiers: Orphanet 154, MedGen C3151293, MONDO:0013479, OMIM 613881.
Myofibrillar myopathy 6. Identifiers: Orphanet 199340, MedGen C2751831, MONDO:0013061, OMIM 612954.

gnomAD v4.1: 1 of 1,614,182 alleles (0.000062%); highest among the groups gnomAD compares: Admixed American, 0.0017%; no homozygotes.

Submission:

Labcorp Genetics (formerly Invitae), Labcorp
Classification: Uncertain significance for Dilated cardiomyopathy 1HH; Myofibrillar myopathy 6. Last evaluated: 2025-04-20. Review status: criteria provided, single submitter. Criteria: Invitae Variant Classification Sherloc (09022015). Collection method: clinical testing. Allele origin: germline.
Comment: This sequence change replaces glutamine, which is neutral and polar, with histidine, which is basic and polar, at codon 511 of the BAG3 protein (p.Gln511His). This variant is not present in population databases (gnomAD no frequency). This variant has not been reported in the literature in individuals affected with BAG3-related conditions. Invitae Evidence Modeling of protein sequence and biophysical properties (such as structural, functional, and spatial information, amino acid conservation, physicochemical variation, residue mobility, and thermodynamic stability) indicates that this missense variant is not expected to disrupt BAG3 protein function with a negative predictive value of 80%. In summary, the available evidence is currently insufficient to determine the role of this variant in disease. Therefore, it has been classified as a Variant of Uncertain Significance.

NM_004281.4(BAG3):c.1533G>C (p.Gln511His)

Gene: BAG3 (BAG cochaperone 3; plus strand). Cytogenetic location: 10q26.11.
Variant type: single nucleotide variant.
Coding change: c.1533G>C on transcript NM_004281.4 (MANE Select); coding-DNA position 1533, G replaced by C.
Protein change: p.Gln511His; replaces glutamine 511 with histidine.
Molecular consequence: missense variant.
Genome position (GRCh38, 1-based): chr10:119,677,087, G>C. VCF-style: chr10-119677087-G-C. GRCh37 (hg19) VCF-style: chr10-121436599-G-C.
Other names: short protein forms Q511H.
Identifiers: ClinVar variation 4791453 (VCV004791453.1).